The following is an entry in ClinVar:

ClinVar aggregate classification (germline): Likely benign (1 of 4 stars; one submission).

Allele frequency attached by ClinVar (database versions not stated): TOPMed 0.00006; gnomAD 0.00012; ExAC 0.00014.

Submission:

CeGaT Center for Human Genetics Tuebingen
Classification: Likely benign. Last evaluated: 2022-11-01. Review status: criteria provided, single submitter. Criteria: CeGaT Center For Human Genetics Tuebingen Variant Classification Criteria Version 2. Collection method: clinical testing. Allele origin: germline. Affected: yes. Observed: 1 variant allele.
Comment: RIBC1: BS2

NM_001031745.5(RIBC1):c.1058+10A>G

Gene: RIBC1 (RIB43A domain with coiled-coils 1; plus strand). Cytogenetic location: Xp11.22.
Variant type: single nucleotide variant.
Coding change: c.1058+10A>G on transcript NM_001031745.5 (MANE Select); 10 bases into the intron after coding-DNA position 1058, A replaced by G.
Molecular consequence: intron variant. On other transcripts: 3 prime UTR variant (1).
Genome position (GRCh38, 1-based): chrX:53,430,800, A>G. VCF-style: chrX-53430800-A-G. GRCh37 (hg19) VCF-style: chrX-53457748-A-G.
Other names: c.*6A>G (NM_001267053.4).
Identifiers: ClinVar variation 2660611 (VCV002660611.24), dbSNP rs782478075, ClinGen allele CA10420936.